The following is an entry in ClinVar:

ClinVar aggregate classification (germline): Conflicting classifications of pathogenicity. Review status: criteria provided, conflicting classifications (1 of 4 stars). 3 submissions from 3 submitters: Uncertain significance (2); Likely benign (1). Last evaluated 2025-07-03.

Conditions:
Inborn genetic diseases. Identifiers: MedGen C0950123, MeSH D030342.
KBG syndrome (KBGS). Also called: ANKRD11-Related KBG Syndrome. Identifiers: Orphanet 2332, MedGen C0220687, MONDO:0007846, OMIM 148050.

Allele frequency attached by ClinVar (database versions not stated): gnomAD exomes 0.00002; gnomAD 0.00001; TOPMed 0.00001; ExAC 0.00002.
gnomAD v4.1: 18 of 1,614,058 alleles (0.0011%); highest among the groups gnomAD compares: Middle Eastern, 0.016%; no homozygotes.

Submissions (3):

Labcorp Genetics (formerly Invitae), Labcorp
Classification: Uncertain significance for KBG syndrome. Last evaluated: 2025-07-03. Review status: criteria provided, single submitter. Criteria: Invitae Variant Classification Sherloc (09022015). Collection method: clinical testing. Allele origin: germline.
Comment: This sequence change replaces serine, which is neutral and polar, with leucine, which is neutral and non-polar, at codon 1657 of the ANKRD11 protein (p.Ser1657Leu). This variant is present in population databases (rs749114664, gnomAD 0.003%). This variant has not been reported in the literature in individuals affected with ANKRD11-related conditions. ClinVar contains an entry for this variant (Variation ID: 1336411). Invitae Evidence Modeling of protein sequence and biophysical properties (such as structural, functional, and spatial information, amino acid conservation, physicochemical variation, residue mobility, and thermodynamic stability) indicates that this missense variant is not expected to disrupt ANKRD11 protein function with a negative predictive value of 95%. In summary, the available evidence is currently insufficient to determine the role of this variant in disease. Therefore, it has been classified as a Variant of Uncertain Significance.

Ambry Genetics
Classification: Likely benign for Inborn genetic diseases. Last evaluated: 2024-09-04. Review status: criteria provided, single submitter. Criteria: Ambry Variant Classification Scheme 2023. Collection method: clinical testing. Allele origin: germline.

Genetic Services Laboratory, University of Chicago
Classification: Uncertain significance. Last evaluated: 2017-12-07. Review status: criteria provided, single submitter. Criteria: ACMG Guidelines, 2015. Collection method: clinical testing. Allele origin: germline. Affected: no.

NM_013275.6(ANKRD11):c.4970C>T (p.Ser1657Leu)

Gene: ANKRD11 (ankyrin repeat domain 11; minus strand). Cytogenetic location: 16q24.3.
Variant type: single nucleotide variant.
Coding change: c.4970C>T on transcript NM_013275.6 (MANE Select); coding-DNA position 4970, C replaced by T.
Protein change: p.Ser1657Leu; replaces serine 1657 with leucine.
Molecular consequence: missense variant.
Genome position (GRCh38, 1-based): chr16:89,281,572, G>A on the plus strand (C>T on the coding strand, the complement: ANKRD11 is on the minus strand). VCF-style: chr16-89281572-G-A. GRCh37 (hg19) VCF-style: chr16-89347980-G-A.
Other names: c.4970C>T (NM_013275.4); c.4970C>T, p.Ser1657Leu (NM_001256182.2, NM_001256183.2); short protein forms S1657L.
Identifiers: ClinVar variation 1336411 (VCV001336411.9), dbSNP rs749114664, ClinGen allele CA8241998.